The following is an entry in ClinVar:

ClinVar aggregate classification (germline): Uncertain significance (1 of 4 stars; one submission).

Conditions:
Neuronal ceroid lipofuscinosis. Also called: Neuronal Ceroid Lipofuscinoses. Identifiers: Orphanet 216, Orphanet 79263, MedGen C0027877, MONDO:0016295. Disease mechanism: loss of function.

Allele frequency attached by ClinVar (database versions not stated): ExAC 0.00003; gnomAD exomes 0.00003; TOPMed 0.00004; gnomAD 0.00005 and 0.00006.
gnomAD v4.1: 32 of 1,613,740 alleles (0.002%); highest among the groups gnomAD compares: African/African-American, 0.004%; no homozygotes.

Submission:

Labcorp Genetics (formerly Invitae), Labcorp
Classification: Uncertain significance for Neuronal ceroid lipofuscinosis. Last evaluated: 2024-10-14. Review status: criteria provided, single submitter. Criteria: Invitae Variant Classification Sherloc (09022015). Collection method: clinical testing. Allele origin: germline.
Comment: This sequence change replaces valine, which is neutral and non-polar, with methionine, which is neutral and non-polar, at codon 62 of the CTSD protein (p.Val62Met). This variant is present in population databases (rs756892066, gnomAD 0.006%). This variant has not been reported in the literature in individuals affected with CTSD-related conditions. ClinVar contains an entry for this variant (Variation ID: 409620). Invitae Evidence Modeling of protein sequence and biophysical properties (such as structural, functional, and spatial information, amino acid conservation, physicochemical variation, residue mobility, and thermodynamic stability) indicates that this missense variant is not expected to disrupt CTSD protein function with a negative predictive value of 80%. In summary, the available evidence is currently insufficient to determine the role of this variant in disease. Therefore, it has been classified as a Variant of Uncertain Significance.

NM_001909.5(CTSD):c.184G>A (p.Val62Met)

Genes: CTSD (cathepsin D; minus strand), PRADX (PRC2 and DDX5 associated lncRNA; plus strand). Cytogenetic location: 11p15.5.
Variant type: single nucleotide variant.
Coding change: c.184G>A on transcript NM_001909.5 (MANE Select); coding-DNA position 184, G replaced by A.
Protein change: p.Val62Met; replaces valine 62 with methionine.
Molecular consequence: missense variant.
Genome position (GRCh38, 1-based): chr11:1,761,353, C>T on the plus strand (G>A on the coding strand, the complement: CTSD is on the minus strand). VCF-style: chr11-1761353-C-T. GRCh37 (hg19) VCF-style: chr11-1782583-C-T.
Other names: short protein forms V62M.
Identifiers: ClinVar variation 409620 (VCV000409620.10), dbSNP rs756892066, ClinGen allele CA5814274.